The following is an entry in ClinVar:

ClinVar aggregate classification (germline): Uncertain significance. Review status: criteria provided, multiple submitters, no conflicts (2 of 4 stars). 7 submissions from 7 submitters: Uncertain significance (6). 1 of the submissions does not count toward it. Last evaluated 2026-06-16.

Conditions:
Inborn genetic diseases. Identifiers: MedGen C0950123, MeSH D030342.
Hereditary insensitivity to pain with anhidrosis (CIPA). Also called: hereditary sensory and autonomic neuropathy type 4; NEUROPATHY, CONGENITAL SENSORY, WITH ANHIDROSIS; INSENSITIVITY TO PAIN, CONGENITAL, WITH ANHIDROSIS; HSAN Type IV; NTRK1 Congenital Insensitivity to Pain with Anhidrosis; FAMILIAL DYSAUTONOMIA, TYPE II. Identifiers: Orphanet 642, MedGen C0020074, MONDO:0009746, OMIM 256800.
NTRK1-related disorder. Also called: NTRK1-related condition.

Allele frequency attached by ClinVar (database versions not stated): gnomAD 0.00007 and 0.00008; ESP Exome Variant Server 0.00008.
gnomAD v4.1: 206 of 1,607,344 alleles (0.013%); highest among the groups gnomAD compares: Non-Finnish European, 0.016%; no homozygotes.

Submissions (7):

PreventionGenetics, part of Exact Sciences
Classification: Uncertain significance for NTRK1-related condition. Last evaluated: 2026-06-16. Review status: criteria provided, single submitter. Criteria: ACMG Guidelines, 2015. Collection method: clinical testing. Allele origin: germline.
Comment: The NTRK1 c.1354C>T variant is predicted to result in the amino acid substitution p.Arg452Cys. To our knowledge, this variant has not been reported in the literature. This variant is reported in 0.018% of alleles in individuals of European (non-Finnish) descent in gnomAD. At this time, the clinical significance of this variant is uncertain due to the absence of conclusive functional and genetic evidence.

CeGaT Center for Human Genetics Tuebingen
Classification: Uncertain significance. Last evaluated: 2025-10-01. Review status: criteria provided, single submitter. Criteria: CeGaT Center For Human Genetics Tuebingen Variant Classification Criteria Version 2. Collection method: clinical testing. Allele origin: germline. Affected: yes. Observed: 1 variant allele.
Comment: NTRK1: PM2

GeneDx
Classification: Uncertain significance. Last evaluated: 2025-06-06. Review status: criteria provided, single submitter. Criteria: GeneDx Variant Classification Process June 2021. Collection method: clinical testing. Allele origin: germline. Affected: yes.
Comment: In silico analysis supports that this missense variant has a deleterious effect on protein structure/function; Has not been previously published as pathogenic or benign to our knowledge

Genome-Nilou Lab
Classification: Uncertain significance for Hereditary insensitivity to pain with anhidrosis. Last evaluated: 2023-04-11. Review status: criteria provided, single submitter. Criteria: ACMG Guidelines, 2015. Collection method: clinical testing. Allele origin: germline. Affected: no.

Ambry Genetics
Classification: Uncertain significance for Inborn genetic diseases. Last evaluated: 2022-11-28. Review status: criteria provided, single submitter. Criteria: Ambry Variant Classification Scheme 2023. Collection method: clinical testing. Allele origin: germline.

Labcorp Genetics (formerly Invitae), Labcorp
Classification: Uncertain significance for Hereditary insensitivity to pain with anhidrosis. Last evaluated: 2022-10-24. Review status: criteria provided, single submitter. Criteria: Invitae Variant Classification Sherloc (09022015). Collection method: clinical testing. Allele origin: germline.
Comment: This sequence change replaces arginine, which is basic and polar, with cysteine, which is neutral and slightly polar, at codon 446 of the NTRK1 protein (p.Arg446Cys). This variant is present in population databases (rs34900547, gnomAD 0.02%). This variant has not been reported in the literature in individuals affected with NTRK1-related conditions. ClinVar contains an entry for this variant (Variation ID: 456609). Algorithms developed to predict the effect of missense changes on protein structure and function are either unavailable or do not agree on the potential impact of this missense change (SIFT: "Deleterious"; PolyPhen-2: "Probably Damaging"; Align-GVGD: "Class C15"). In summary, the available evidence is currently insufficient to determine the role of this variant in disease. Therefore, it has been classified as a Variant of Uncertain Significance.

Natera, Inc.
Classification: Uncertain significance for Hereditary insensitivity to pain with anhidrosis. Last evaluated: 2020-09-16. Review status: no assertion criteria provided. Collection method: clinical testing. Allele origin: germline. Not counted in ClinVar's aggregate classification.

NM_002529.4(NTRK1):c.1354C>T (p.Arg452Cys)

Gene: NTRK1 (neurotrophic receptor tyrosine kinase 1; plus strand). Cytogenetic location: 1q23.1.
Variant type: single nucleotide variant.
Coding change: c.1354C>T on transcript NM_002529.4 (MANE Select); coding-DNA position 1354, C replaced by T.
Protein change: p.Arg452Cys; replaces arginine 452 with cysteine.
Molecular consequence: missense variant.
Genome position (GRCh38, 1-based): chr1:156,875,008, C>T. VCF-style: chr1-156875008-C-T. GRCh37 (hg19) VCF-style: chr1-156844800-C-T.
Other names: c.1354C>T (NM_002529.3); c.1246C>T, p.Arg416Cys (NM_001007792.1); c.1336C>T, p.Arg446Cys (NM_001012331.2); short protein forms R446C, R416C, R452C.
Identifiers: ClinVar variation 456609 (VCV000456609.20), dbSNP rs34900547, ClinGen allele CA1169283.